The following is an entry in ClinVar:

ClinVar aggregate classification (germline): Uncertain significance. Review status: criteria provided, multiple submitters, no conflicts (2 of 4 stars). 2 submissions from 2 submitters: Uncertain significance (2). Last evaluated 2024-12-04.

Conditions:
Inborn genetic diseases. Identifiers: MedGen C0950123, MeSH D030342.

Allele frequency attached by ClinVar (database versions not stated): ExAC 0.00003; TOPMed below 0.00001; gnomAD 0.00001; gnomAD exomes 0.00003.
gnomAD v4.1: 50 of 1,613,580 alleles (0.0031%); highest among the groups gnomAD compares: Non-Finnish European, 0.0038%; no homozygotes.

Submissions (2):

Athena Diagnostics
Classification: Uncertain significance. Last evaluated: 2024-12-04. Review status: criteria provided, single submitter. Criteria: Athena Diagnostics Criteria. Collection method: clinical testing. Allele origin: unknown.
Comment: Available data are insufficient to determine the clinical significance of the variant at this time. The frequency of this variant in the general population is uninformative in assessment of its pathogenicity. Polyphen and MutationTaster predict this amino acid change may be benign.

Ambry Genetics
Classification: Uncertain significance for Inborn genetic diseases. Last evaluated: 2022-11-02. Review status: criteria provided, single submitter. Criteria: Ambry Variant Classification Scheme 2023. Collection method: clinical testing. Allele origin: germline.
Comment: The c.6155C>T (p.P2052L) alteration is located in exon 48 (coding exon 48) of the HSPG2 gene. This alteration results from a C to T substitution at nucleotide position 6155, causing the proline (P) at amino acid position 2052 to be replaced by a leucine (L). The p.P2052L alteration is predicted to be tolerated by in silico analysis. Based on insufficient or conflicting evidence, the clinical significance of this alteration remains unclear.

NM_005529.7(HSPG2):c.6155C>T (p.Pro2052Leu)

Gene: HSPG2 (heparan sulfate proteoglycan 2; minus strand). Cytogenetic location: 1p36.12.
Variant type: single nucleotide variant.
Coding change: c.6155C>T on transcript NM_005529.7 (MANE Select); coding-DNA position 6155, C replaced by T.
Protein change: p.Pro2052Leu; replaces proline 2052 with leucine.
Molecular consequence: missense variant.
Genome position (GRCh38, 1-based): chr1:21,854,744, G>A on the plus strand (C>T on the coding strand, the complement: HSPG2 is on the minus strand). VCF-style: chr1-21854744-G-A. GRCh37 (hg19) VCF-style: chr1-22181237-G-A.
Other names: c.6155C>T (NM_005529.6); c.6158C>T, p.Pro2053Leu (NM_001291860.2); short protein forms P2052L, P2053L.
Identifiers: ClinVar variation 2401185 (VCV002401185.4), dbSNP rs751874750, ClinGen allele CA671641.